The following is an entry in ClinVar:

NM_000507.4(FBP1):c.276G>T (p.Thr92=)

Gene: FBP1 (fructose-bisphosphatase 1; minus strand). Cytogenetic location: 9q22.32.
Variant type: single nucleotide variant.
Coding change: c.276G>T on transcript NM_000507.4 (MANE Select); coding-DNA position 276, G replaced by T.
Protein change: p.Thr92=; no amino-acid change (threonine 92 retained).
Molecular consequence: synonymous variant.
Genome position (GRCh38, 1-based): chr9:94,620,386, C>A on the plus strand (G>T on the coding strand, the complement: FBP1 is on the minus strand). VCF-style: chr9-94620386-C-A. GRCh37 (hg19) VCF-style: chr9-97382668-C-A.
Other names: p.T92T:ACG>ACT; p.Thr92=; c.276G>T, p.Thr92= (NM_001127628.2).
Identifiers: ClinVar variation 137364 (VCV000137364.17), dbSNP rs16910744, ClinGen allele CA290918.

ClinVar aggregate classification (germline): Benign. Review status: criteria provided, multiple submitters, no conflicts (2 of 4 stars). 6 submissions from 6 submitters: Benign (6). Last evaluated 2026-02-02.

Conditions:
Fructose-biphosphatase deficiency (FBP1D). Also called: Fructose-1,6-Bisphosphatase 1 Deficiency; Fructose 1,6 Bisphosphatase Deficiency; Fructose-1,6-Diphosphatase Deficiency. Identifiers: Orphanet 348, MedGen C0016756, MONDO:0009251, OMIM 229700.

Allele frequency attached by ClinVar (database versions not stated): 1000 Genomes Project 30x 0.06027; gnomAD 0.04339; TOPMed 0.05324; ESP Exome Variant Server 0.05597; 1000 Genomes Project 0.05731.
gnomAD v4.1: 15,243 of 1,614,140 alleles (0.94%); highest among the groups gnomAD compares: African/African-American, 16%; 1,070 homozygotes.

Submissions (6):

Labcorp Genetics (formerly Invitae), Labcorp
Classification: Benign for Fructose-biphosphatase deficiency. Last evaluated: 2026-02-02. Review status: criteria provided, single submitter. Criteria: Invitae Variant Classification Sherloc (09022015). Collection method: clinical testing. Allele origin: germline.

Mayo Clinic Laboratories, Mayo Clinic
Classification: Benign. Last evaluated: 2022-05-05. Review status: criteria provided, single submitter. Criteria: ACMG Guidelines, 2015. Collection method: clinical testing. Allele origin: germline. Observed: 57 variant alleles.

Illumina Laboratory Services, Illumina
Classification: Benign for Fructose-biphosphatase deficiency. Last evaluated: 2018-01-13. Review status: criteria provided, single submitter. Criteria: ICSL Variant Classification Criteria 13 December 2019. Collection method: clinical testing. Allele origin: germline.
Comment: This variant was observed in the ICSL laboratory as part of a predisposition screen in an ostensibly healthy population. It had not been previously curated by ICSL or reported in the Human Gene Mutation Database (HGMD: prior to June 1st, 2018), and was therefore a candidate for classification through an automated scoring system. Utilizing variant allele frequency, disease prevalence and penetrance estimates, and inheritance mode, an automated score was calculated to assess if this variant is too frequent to cause the disease. Based on the score and internal cut-off values, a variant classified as benign is not then subjected to further curation. The score for this variant resulted in a classification of benign for this disease.

GeneDx
Classification: Benign. Last evaluated: 2012-06-27. Review status: criteria provided, single submitter. Criteria: GeneDx Variant Classification (06012015). Collection method: clinical testing. Allele origin: germline. Affected: yes.
Comment: This variant is considered likely benign or benign based on one or more of the following criteria: it is a conservative change, it occurs at a poorly conserved position in the protein, it is predicted to be benign by multiple in silico algorithms, and/or has population frequency not consistent with disease.

Breakthrough Genomics
Classification: Benign. Review status: criteria provided, single submitter. Criteria: ACMG Guidelines, 2015. Collection method: not provided. Allele origin: germline. Inheritance: Autosomal recessive inheritance. Affected: yes.

PreventionGenetics, part of Exact Sciences
Classification: Benign. Review status: criteria provided, single submitter. Criteria: ACMG Guidelines, 2015. Collection method: clinical testing. Allele origin: germline.